The following is an entry in ClinVar:

NM_133497.4(KCNV2):c.1265T>C (p.Ile422Thr)

Gene: KCNV2 (potassium voltage-gated channel modifier subfamily V member 2; plus strand). Cytogenetic location: 9p24.2.
Variant type: single nucleotide variant.
Coding change: c.1265T>C on transcript NM_133497.4 (MANE Select); coding-DNA position 1265, T replaced by C.
Protein change: p.Ile422Thr; replaces isoleucine 422 with threonine.
Molecular consequence: missense variant.
Genome position (GRCh38, 1-based): chr9:2,719,004, T>C. VCF-style: chr9-2719004-T-C. GRCh37 (hg19) VCF-style: chr9-2719004-T-C.
Other names: short protein forms I422T.
Identifiers: ClinVar variation 855223 (VCV000855223.9), dbSNP rs769184629, ClinGen allele CA4965841.

ClinVar aggregate classification (germline): Uncertain significance. Review status: criteria provided, multiple submitters, no conflicts (2 of 4 stars). 2 submissions from 2 submitters: Uncertain significance (2). Last evaluated 2025-11-11.

Allele frequency attached by ClinVar (database versions not stated): gnomAD 0.00002; gnomAD exomes 0.00004 and 0.00006; TOPMed 0.00004; ExAC 0.00006.
gnomAD v4.1: 64 of 1,612,634 alleles (0.004%); highest among the groups gnomAD compares: Admixed American, 0.028%; 1 homozygote.

Submissions (2):

Labcorp Genetics (formerly Invitae), Labcorp
Classification: Uncertain significance. Last evaluated: 2025-11-11. Review status: criteria provided, single submitter. Criteria: Invitae Variant Classification Sherloc (09022015). Collection method: clinical testing. Allele origin: germline.
Comment: This sequence change replaces isoleucine, which is neutral and non-polar, with threonine, which is neutral and polar, at codon 422 of the KCNV2 protein (p.Ile422Thr). This variant is present in population databases (rs769184629, gnomAD 0.02%). This variant has not been reported in the literature in individuals affected with KCNV2-related conditions. ClinVar contains an entry for this variant (Variation ID: 855223). Invitae Evidence Modeling of protein sequence and biophysical properties (such as structural, functional, and spatial information, amino acid conservation, physicochemical variation, residue mobility, and thermodynamic stability) has been performed for this missense variant. However, the output from this modeling did not meet the statistical confidence thresholds required to predict the impact of this variant on KCNV2 protein function. In summary, the available evidence is currently insufficient to determine the role of this variant in disease. Therefore, it has been classified as a Variant of Uncertain Significance.

Blueprint Genetics
Classification: Uncertain significance. Last evaluated: 2022-04-20. Review status: criteria provided, single submitter. Criteria: ACMG Guidelines, 2015. Collection method: clinical testing. Allele origin: germline.